The following is an entry in ClinVar:

ClinVar aggregate classification (germline): Conflicting classifications of pathogenicity. Review status: criteria provided, conflicting classifications (1 of 4 stars). 6 submissions from 6 submitters: Pathogenic (1); Likely pathogenic (2); Uncertain significance (3). Last evaluated 2024-12-20.

Conditions:
Mitochondrial complex I deficiency, nuclear type 22. Also called: Mitochondrial complex 1 deficiency, nuclear type 22. Identifiers: MedGen C4748796, MONDO:0032626, OMIM 618243.
Inborn genetic diseases. Identifiers: MedGen C0950123, MeSH D030342.
Leigh syndrome (NULS). Also called: Subacute necrotizing encephalopathy; Necrotizing encephalopathy infantile subacute of Leigh; Leigh's syndrome; Leigh Disease; LEIGH SYNDROME, NUCLEAR; Leigh's necrotizing encephalopathy. Identifiers: Orphanet 506, MedGen C2931891, MONDO:0009723, OMIM 256000.

Submissions (6):

Ambry Genetics
Classification: Pathogenic for Inborn genetic diseases. Last evaluated: 2024-12-20. Review status: criteria provided, single submitter. Criteria: Ambry Variant Classification Scheme 2023. Collection method: clinical testing. Allele origin: germline.
Comment: The c.604dupC (p.H202Pfs*25) alteration, located in exon 5 (coding exon 5) of the NDUFA10 gene, consists of a duplication of C at position 604, causing a translational frameshift with a predicted alternate stop codon after 25 amino acids. This alteration is expected to result in loss of function by premature protein truncation or nonsense-mediated mRNA decay. Based on data from gnomAD, the c.604dupC (p.H202Pfs*25) variant has an overall frequency of 0.003% (9/282706) total alleles studied. The highest observed frequency was 0.01% (1/10364) of Ashkenazi Jewish alleles. Based on the available evidence, this alteration is classified as pathogenic.

Laboratory of Inherited Metabolic Diseases, Research centre for medical genetics
Classification: Likely pathogenic for Mitochondrial complex I deficiency, nuclear type 22. Last evaluated: 2023-01-31. Review status: criteria provided, single submitter. Criteria: ACMG Guidelines, 2015. Collection method: clinical testing. Allele origin: unknown. Inheritance: Autosomal recessive inheritance. Affected: yes. Observed: 1 variant allele.

Labcorp Genetics (formerly Invitae), Labcorp
Classification: Uncertain significance. Last evaluated: 2022-08-09. Review status: criteria provided, single submitter. Criteria: Invitae Variant Classification Sherloc (09022015). Collection method: clinical testing. Allele origin: germline.
Comment: This sequence change creates a premature translational stop signal (p.His202Profs*25) in the NDUFA10 gene. It is expected to result in an absent or disrupted protein product. However, the current clinical and genetic evidence is not sufficient to establish whether loss-of-function variants in NDUFA10 cause disease. This variant is present in population databases (rs746019378, gnomAD 0.01%). This variant has not been reported in the literature in individuals affected with NDUFA10-related conditions. ClinVar contains an entry for this variant (Variation ID: 632354). In summary, the available evidence is currently insufficient to determine the role of this variant in disease. Therefore, it has been classified as a Variant of Uncertain Significance.

Department of Pathology and Laboratory Medicine, Sinai Health System
Classification: Uncertain significance for Leigh syndrome. Last evaluated: 2021-07-30. Review status: criteria provided, single submitter. Criteria: ACMG Guidelines, 2015. Collection method: research. Allele origin: germline.

Revvity Omics, Revvity
Classification: Uncertain significance for Mitochondrial complex I deficiency, nuclear type 22. Last evaluated: 2020-07-19. Review status: criteria provided, single submitter. Criteria: ACMG Guidelines, 2015. Collection method: clinical testing. Allele origin: germline.

Neuberg Centre For Genomic Medicine, NCGM
Classification: Likely pathogenic for Mitochondrial complex I deficiency, nuclear type 22. Review status: criteria provided, single submitter. Criteria: ACMG Guidelines, 2015. Collection method: clinical testing. Allele origin: germline. Inheritance: Autosomal recessive inheritance. Affected: yes.
Comment: The frameshift variant c.604dup (p.His202ProfsTer25) in the NDUFA10 gene has not been reported previously as a pathogenic variant nor as a benign variant, to our knowledge. The variant has 0.003% allele frequency in gnomAD Exomes. This variant has been reported to the ClinVar database as Likely Pathogenic/ Uncertain significance. This variant causes a frameshift starting with codon Histidine 202, changes this amino acid to Proline residue, and creates a premature Stop codon at position 25 of the new reading frame. This variant is predicted to cause a loss of normal protein function through protein truncation. Loss of function variants has been previously reported to be disease causing (Kohda et al., 2016). For these reasons, this variant has been classified as Likely Pathogenic. In the absence of another reportable variant, the molecular diagnosis is not confirmed.

NM_004544.4(NDUFA10):c.604dup (p.His202fs)

Gene: NDUFA10 (NADH:ubiquinone oxidoreductase subunit A10; minus strand). Cytogenetic location: 2q37.3.
Variant type: Duplication.
Coding change: c.604dup on transcript NM_004544.4 (MANE Select); coding-DNA position 604, one base duplicated (C; older notation c.604dupC).
Protein change: p.His202fs; shifts the reading frame from histidine 202.
Molecular consequence: frameshift variant. On other transcripts: non-coding transcript variant (4).
Genome position (GRCh38, 1-based): chr2:240,014,804, G duplicated on the plus strand (C on the coding strand, the reverse complement: NDUFA10 is on the minus strand); the first of 7 consecutive G bases (chr2:240,014,804-240,014,810); duplicating any one gives the same sequence. VCF-style (leftmost placement, unchanged base first): chr2-240014803-T-TG. GRCh37 (hg19) VCF-style: chr2-240954220-T-TG.
Other names: c.604dup, p.His202fs (NM_001322019.2, NM_001322020.2); short protein forms H202fs.
Identifiers: ClinVar variation 632354 (VCV000632354.13), dbSNP rs746019378, ClinGen allele CA2200941.